The following is an entry in ClinVar:

ClinVar aggregate classification (germline): Uncertain significance. Review status: criteria provided, multiple submitters, no conflicts (2 of 4 stars). 5 submissions from 5 submitters: Uncertain significance (4). 1 of the submissions does not count toward it. Last evaluated 2026-03-25.

Conditions:
Inborn genetic diseases. Identifiers: MedGen C0950123, MeSH D030342.
Joubert syndrome. Also called: Familial aplasia of the vermis; JOUBERT-BOLTSHAUSER SYNDROME. Identifiers: Orphanet 475, MedGen C5979921, MONDO:0018772.
Joubert syndrome 2 (JBTS2). Also called: CEREBELLOOCULORENAL SYNDROME 2. Identifiers: Orphanet 2318, MedGen C1842577, MONDO:0011963, OMIM 608091.
Meckel syndrome, type 2 (MKS2). Also called: MKS2-Related Meckel Syndrome; MECKEL-GRUBER SYNDROME, TYPE 2. Identifiers: Orphanet 564, MedGen C1864148, MONDO:0011296, OMIM 603194.
TMEM216-related disorder. Also called: TMEM216-related condition; TMEM216-related disorders.

Allele frequency attached by ClinVar (database versions not stated): gnomAD 0.00001 and 0.00002; gnomAD exomes 0.00001; TOPMed 0.00003; 1000 Genomes Project 0.00020; 1000 Genomes Project 30x 0.00031.
gnomAD v4.1: 21 of 1,513,934 alleles (0.0014%); highest among the groups gnomAD compares: Non-Finnish European, 0.0017%; no homozygotes.

Submissions (5):

PreventionGenetics, part of Exact Sciences
Classification: Uncertain significance for TMEM216-related condition. Last evaluated: 2026-03-25. Review status: criteria provided, single submitter. Criteria: ACMG Guidelines, 2015. Collection method: clinical testing. Allele origin: germline.
Comment: The TMEM216 c.11G>A variant is predicted to result in the amino acid substitution p.Arg4Gln. To our knowledge, this variant has not been reported in the literature or in a large population database (gnomAD), indicating this variant is rare. At this time, the clinical significance of this variant is uncertain due to the absence of conclusive functional and genetic evidence.

Labcorp Genetics (formerly Invitae), Labcorp
Classification: Uncertain significance for Joubert syndrome. Last evaluated: 2024-08-31. Review status: criteria provided, single submitter. Criteria: Invitae Variant Classification Sherloc (09022015). Collection method: clinical testing. Allele origin: germline.
Comment: This sequence change replaces arginine, which is basic and polar, with glutamine, which is neutral and polar, at codon 4 of the TMEM216 protein (p.Arg4Gln). This variant is not present in population databases (gnomAD no frequency). This variant has not been reported in the literature in individuals affected with TMEM216-related conditions. ClinVar contains an entry for this variant (Variation ID: 855127). An algorithm developed to predict the effect of missense changes on protein structure and function (PolyPhen-2) suggests that this variant is likely to be tolerated. In summary, the available evidence is currently insufficient to determine the role of this variant in disease. Therefore, it has been classified as a Variant of Uncertain Significance.

Fulgent Genetics
Classification: Uncertain significance for Meckel syndrome, type 2; Joubert syndrome 2. Last evaluated: 2024-05-21. Review status: criteria provided, single submitter. Criteria: ACMG Guidelines, 2015. Collection method: clinical testing. Allele origin: germline.

Ambry Genetics
Classification: Uncertain significance for Inborn genetic diseases. Last evaluated: 2023-03-13. Review status: criteria provided, single submitter. Criteria: Ambry Variant Classification Scheme 2023. Collection method: clinical testing. Allele origin: germline.

Natera, Inc.
Classification: Uncertain significance for Joubert syndrome type 2. Last evaluated: 2020-09-16. Review status: no assertion criteria provided. Collection method: clinical testing. Allele origin: germline. Not counted in ClinVar's aggregate classification.

NM_001173990.3(TMEM216):c.11G>A (p.Arg4Gln)

Gene: TMEM216 (transmembrane protein 216; plus strand). Cytogenetic location: 11q12.2.
Variant type: single nucleotide variant.
Coding change: c.11G>A on transcript NM_001173990.3 (MANE Select); coding-DNA position 11, G replaced by A.
Protein change: p.Arg4Gln; replaces arginine 4 with glutamine.
Molecular consequence: missense variant. On other transcripts: 5 prime UTR variant (2).
Genome position (GRCh38, 1-based): chr11:61,392,642, G>A. VCF-style: chr11-61392642-G-A. GRCh37 (hg19) VCF-style: chr11-61160114-G-A.
Other names: c.11G>A, p.Arg4Gln (NM_001173991.3); c.-187G>A (NM_001330285.2, NM_016499.6); c.11G>A (NM_001173991.2); short protein forms R4Q.
Identifiers: ClinVar variation 855127 (VCV000855127.13), dbSNP rs548299486, ClinGen allele CA222894436.
Genomic context (GRCh38, chr11:61,392,642, plus strand): 5'-TCCCTGTTTCCGGCAGCGCCGCGCTGCTCCGGGAGCCGCTGTGGCAGCGTATGCTGCCAC[G>A]GGGACTGAAGATGGCGCCGCGAGGTGAGATTCCGGAGGTGTGTGAGTCGCTGGTCCCTTT-3'
Protein context (NP_001167461.1, residues 1-14): MLP[Arg4Gln]GLKMAPRGKR